The following is an entry in ClinVar:

ClinVar aggregate classification (germline): Uncertain significance (1 of 4 stars; one submission).

gnomAD v4.1: 1 of 1,613,854 alleles (0.000062%); highest among the groups gnomAD compares: Admixed American, 0.0017%; no homozygotes.

Submission:

Labcorp Genetics (formerly Invitae), Labcorp
Classification: Uncertain significance. Last evaluated: 2021-11-01. Review status: criteria provided, single submitter. Criteria: Invitae Variant Classification Sherloc (09022015). Collection method: clinical testing. Allele origin: germline.
Comment: In summary, the available evidence is currently insufficient to determine the role of this variant in disease. Therefore, it has been classified as a Variant of Uncertain Significance. Algorithms developed to predict the effect of missense changes on protein structure and function are either unavailable or do not agree on the potential impact of this missense change (SIFT: "Tolerated"; PolyPhen-2: "Possibly Damaging"; Align-GVGD: "Class C0"). This variant has not been reported in the literature in individuals affected with RUNX2-related conditions. This variant is not present in population databases (gnomAD no frequency). This sequence change replaces serine, which is neutral and polar, with arginine, which is basic and polar, at codon 256 of the RUNX2 protein (p.Ser256Arg).

NM_001024630.4(RUNX2):c.766A>C (p.Ser256Arg)

Gene: RUNX2 (RUNX family transcription factor 2; plus strand). Cytogenetic location: 6p21.1.
Variant type: single nucleotide variant.
Coding change: c.766A>C on transcript NM_001024630.4 (MANE Select); coding-DNA position 766, A replaced by C.
Protein change: p.Ser256Arg; replaces serine 256 with arginine.
Molecular consequence: missense variant.
Genome position (GRCh38, 1-based): chr6:45,492,021, A>C. VCF-style: chr6-45492021-A-C. GRCh37 (hg19) VCF-style: chr6-45459758-A-C.
Other names: c.766A>C, p.Ser256Arg (NM_001015051.4); c.724A>C, p.Ser242Arg (NM_001278478.2, NM_001369405.1); short protein forms S256R, S242R.
Identifiers: ClinVar variation 1500822 (VCV001500822.6), dbSNP rs1800492558, ClinGen allele CA363958232.